The following is an entry in ClinVar:

NM_052813.5(CARD9):c.766del (p.Leu256fs)

Gene: CARD9 (caspase recruitment domain family member 9; minus strand). Cytogenetic location: 9q34.3.
Variant type: Deletion.
Coding change: c.766del on transcript NM_052813.5 (MANE Select); coding-DNA position 766, one base deleted (C; older notation c.766delC).
Protein change: p.Leu256fs; shifts the reading frame from leucine 256.
Molecular consequence: frameshift variant.
Genome position (GRCh38, 1-based): chr9:136,370,563, G deleted on the plus strand (C on the coding strand, the reverse complement: CARD9 is on the minus strand); the first of 3 consecutive G bases (chr9:136,370,563-136,370,565); deleting any one gives the same sequence. VCF-style (leftmost placement, unchanged base first): chr9-136370562-AG-A. GRCh37 (hg19) VCF-style: chr9-139265014-AG-A.
Other names: c.766del, p.Leu256fs (NM_052814.4); short protein forms L256fs.
Identifiers: ClinVar variation 836732 (VCV000836732.8), dbSNP rs1833240016, ClinGen allele CA916080415.
Genomic context (GRCh38, chr9:136,370,562, plus strand): 5'-TGCCCTGCCTACGGCCCCACCTGGACGGAGGCCTCCAGCTCCTGCACCCGGGCCTGGAGC[AG>A]GGCCTTCTCCTGCTGCAGCTCCCACAGCAGCTCCTGGCTGGGCCGCTGCTCCATGGCGTG-3'

ClinVar aggregate classification (germline): Pathogenic (1 of 4 stars; one submission).

Conditions:
Predisposition to invasive fungal disease due to CARD9 deficiency (IMD103). Also called: IMMUNODEFICIENCY 103, SUSCEPTIBILITY TO FUNGAL INFECTIONS; CARD9 IMMUNODEFICIENCY; Candidiasis, familial, 2, autosomal recessive. Identifiers: Orphanet 457088, MedGen C1859353, MONDO:0008905, OMIM 212050.

Submission:

Labcorp Genetics (formerly Invitae), Labcorp
Classification: Pathogenic for Predisposition to invasive fungal disease due to CARD9 deficiency. Last evaluated: 2023-12-06. Review status: criteria provided, single submitter. Criteria: Invitae Variant Classification Sherloc (09022015). Collection method: clinical testing. Allele origin: germline.
Comment: This sequence change creates a premature translational stop signal (p.Leu256Cysfs*106) in the CARD9 gene. It is expected to result in an absent or disrupted protein product. Loss-of-function variants in CARD9 are known to be pathogenic (PMID: 19864672, 24131138, 24231284). This variant is not present in population databases (gnomAD no frequency). This variant has not been reported in the literature in individuals affected with CARD9-related conditions. ClinVar contains an entry for this variant (Variation ID: 836732). For these reasons, this variant has been classified as Pathogenic.

Literature cited by the submitters: PubMed 19864672; PubMed 24131138; PubMed 24231284.